The following is an entry in ClinVar:

NM_000238.4(KCNH2):c.2892dup (p.Gly965fs)

Gene: KCNH2 (potassium voltage-gated channel subfamily H member 2; minus strand). Cytogenetic location: 7q36.1.
Variant type: Duplication.
Coding change: c.2892dup on transcript NM_000238.4 (MANE Select); coding-DNA position 2892, one base duplicated (C; older notation c.2892dupC).
Protein change: p.Gly965fs; shifts the reading frame from glycine 965.
Molecular consequence: frameshift variant.
Genome position (GRCh38, 1-based): chr7:150,947,679, G duplicated on the plus strand (C on the coding strand, the reverse complement: KCNH2 is on the minus strand); the first of 6 consecutive G bases (chr7:150,947,679-150,947,684); duplicating any one gives the same sequence. VCF-style (leftmost placement, unchanged base first): chr7-150947678-C-CG. GRCh37 (hg19) VCF-style: chr7-150644766-C-CG.
Other names: c.1872dup, p.Gly625fs (NM_172057.3); c.2892dupC (NM_000238.2, NM_000238.3); short protein forms G625fs, G965fs.
Identifiers: ClinVar variation 200686 (VCV000200686.15), dbSNP rs794728462, ClinGen allele CA305331.
Genomic context (GRCh38, chr7:150,947,678, plus strand): 5'-TGCAAGTGTCGCTGCTCTTCTCGCAGTCCTCCATCAGGGGCTCCCCACCCGGCGGCTCTC[C>CG]GGGGGGCCTGGGGCTGGAGAAGGGCACCAGGCGGAGGGGGCTGGAGCTGCGGCCTGGGCC-3'

ClinVar aggregate classification (germline): Pathogenic/Likely pathogenic. Review status: criteria provided, multiple submitters, no conflicts (2 of 4 stars). 3 submissions from 3 submitters: Pathogenic (2); Likely pathogenic (1). Last evaluated 2024-04-22.

Conditions:
Cardiovascular phenotype. Identifiers: MedGen CN230736.
Long QT syndrome (LQTS). Identifiers: MedGen C0023976, MeSH D008133, MONDO:0002442. Disease mechanism: loss of function. Inheritance: Various modes of inheritance.

Submissions (3):

Labcorp Genetics (formerly Invitae), Labcorp
Classification: Pathogenic for Long QT syndrome. Last evaluated: 2024-04-22. Review status: criteria provided, single submitter. Criteria: Invitae Variant Classification Sherloc (09022015). Collection method: clinical testing. Allele origin: germline.
Comment: This sequence change creates a premature translational stop signal (p.Gly965Argfs*154) in the KCNH2 gene. While this is not anticipated to result in nonsense mediated decay, it is expected to disrupt the last 195 amino acid(s) of the KCNH2 protein. This variant is not present in population databases (gnomAD no frequency). This premature translational stop signal has been observed in individual(s) with long QT syndrome or referred for long QT syndrome testing (PMID: 19716085, 29497013). This variant is also known as 2893insC, p.P964fs+153X. ClinVar contains an entry for this variant (Variation ID: 200686). This variant disrupts a region of the KCNH2 protein in which other variant(s) (p.Asp1037Argfs*82) have been determined to be pathogenic (PMID: 10086971, 10973849, 11222472, 23098067). This suggests that this is a clinically significant region of the protein, and that variants that disrupt it are likely to be disease-causing. For these reasons, this variant has been classified as Pathogenic.

GeneDx
Classification: Likely pathogenic. Last evaluated: 2022-02-02. Review status: criteria provided, single submitter. Criteria: GeneDx Variant Classification Process June 2021. Collection method: clinical testing. Allele origin: germline. Affected: yes.
Comment: Frameshift variant predicted to result in protein truncation, as the last 195 amino acids are replaced with 153 different amino acids, and other loss-of-function variants have been reported downstream in HGMD; Reported in ClinVar (ClinVar Variant ID# 200686); This variant is associated with the following publications: (PMID: 29497013, 19716085)

Ambry Genetics
Classification: Pathogenic for Cardiovascular phenotype. Last evaluated: 2019-08-05. Review status: criteria provided, single submitter. Criteria: Ambry Variant Classification Scheme 2023. Collection method: clinical testing. Allele origin: germline.
Comment: The c.2892dupC pathogenic mutation, located in coding exon 12 of the KCNH2 gene, results from a duplication of C at nucleotide position 2892, causing a translational frameshift with a predicted alternate stop codon (p.G965Rfs*154). This variant (also referred to as c.2893insC, P964fs+153X) has been detected in a long QT syndrome (LQTS) genetic testing cohort, and in an individual who was diagnosed with LQTS with QTc interval of 550ms (Kapplinger JD et al. Heart Rhythm, 2009 Sep;6:1297-303; Mak CM et al. Hong Kong Med J, 2018 08;24:340-349). In addition, similar C-terminal frameshift alterations have been reported in association with long QT syndrome (LQTS) in the literature, and functional studies have indicated that several of those alterations result in truncated proteins with deficient function (e.g., Sasano T et al. J. Mol. Cell. Cardiol. 2004;37:1205-11; Mihic A et al. PLoS ONE. 2011;6:e18273). This alteration is therefore expected to result in loss of function by premature protein truncation. As such, this alteration is interpreted as a disease-causing mutation.

Literature cited by the submitters: PubMed 19716085 (cited by Labcorp Genetics (formerly Invitae), Labcorp and Ambry Genetics); PubMed 29497013 (cited by Labcorp Genetics (formerly Invitae), Labcorp and Ambry Genetics); PubMed 10086971 (cited by Labcorp Genetics (formerly Invitae), Labcorp); PubMed 10973849 (cited by Labcorp Genetics (formerly Invitae), Labcorp); PubMed 11222472 (cited by Labcorp Genetics (formerly Invitae), Labcorp); PubMed 23098067 (cited by Labcorp Genetics (formerly Invitae), Labcorp).